The following is an entry in ClinVar:

ClinVar aggregate classification (germline): Uncertain significance (3 of 4 stars; one submission).

Conditions:
Hereditary antithrombin deficiency (AT3D). Also called: Reduced antithrombin III activity; Antithrombin III deficiency; Thrombophilia due to antithrombin III deficiency; Antithrombin deficiency. Identifiers: Orphanet 82, MedGen C0272375, MONDO:0013144, OMIM 613118, HP:0001976.

Submission:

Clingen Thrombosis Variant Curation Expert Panel, ClinGen
Classification: Uncertain significance for Hereditary antithrombin deficiency. Last evaluated: 2025-09-19. Review status: reviewed by expert panel. Criteria: ClinGen ACMG Specifications SERPINC1 V1.0.0. Collection method: curation. Allele origin: germline. Inheritance: Autosomal dominant inheritance.
Comment: The c.331T>A (NM_000488.4) variant in SERPINC1 is a missense variant predicted to cause substitution of serine by threonine at amino acid 111 (p.Ser111Thr). This variant alters a highly conserved residue and is located at a single amino acid interface between an alpha helix and beta sheet. The variant is absent from gnomAD v4.1.0 in a region with good coverage profile across both genomes and exomes (PM2_supporting). The computational predictor REVEL gives a score of 0.934, which is above the threshold of 0.6, which correlates with a deleterious impact to SERPINC1 function (PP3). This variant has been reported in at least one proband meeting an antithrombin activity level of <0.8 IU/mL (PP4; PMID: 33672736). In summary, based on the evidence available at this time, the clinical significance of this variant is uncertain. ACMG/AMP criteria applied, as specified by the Thrombosis Variant Curation Expert Panel: PM2_supporting, PP3, PP4.

NM_000488.4(SERPINC1):c.331T>A (p.Ser111Thr)

Gene: SERPINC1 (serpin family C member 1; minus strand). Cytogenetic location: 1q25.1.
Variant type: single nucleotide variant.
Coding change: c.331T>A on transcript NM_000488.4 (MANE Select); coding-DNA position 331, T replaced by A.
Protein change: p.Ser111Thr; replaces serine 111 with threonine.
Molecular consequence: missense variant.
Genome position (GRCh38, 1-based): chr1:173,914,630, A>T on the plus strand (T>A on the coding strand, the complement: SERPINC1 is on the minus strand). VCF-style: chr1-173914630-A-T. GRCh37 (hg19) VCF-style: chr1-173883768-A-T.
Other names: NM_001386306.1:c.331T>A; c.187T>A, p.Ser63Thr (NM_001365052.2); c.331T>A, p.Ser111Thr (NM_001386302.1, NM_001386304.1, NM_001386305.1 and 1 more transcripts); c.412T>A, p.Ser138Thr (NM_001386303.1); short protein forms S111T, S138T, S63T.
Identifiers: ClinVar variation 4686609 (VCV004686609.2).